The following is an entry in ClinVar:

ClinVar aggregate classification (germline): Uncertain significance. Review status: criteria provided, multiple submitters, no conflicts (2 of 4 stars). 2 submissions from 2 submitters: Uncertain significance (2). Last evaluated 2025-06-25.

Conditions:
Inborn genetic diseases. Identifiers: MedGen C0950123, MeSH D030342.

Allele frequency attached by ClinVar (database versions not stated): gnomAD 0.00002; gnomAD exomes 0.00002; TOPMed 0.00002; ExAC 0.00002.
gnomAD v4.1: 32 of 1,613,920 alleles (0.002%); highest among the groups gnomAD compares: African/African-American, 0.0053%; no homozygotes.

Submissions (2):

Labcorp Genetics (formerly Invitae), Labcorp
Classification: Uncertain significance. Last evaluated: 2025-06-25. Review status: criteria provided, single submitter. Criteria: Invitae Variant Classification Sherloc (09022015). Collection method: clinical testing. Allele origin: germline.
Comment: This sequence change replaces arginine, which is basic and polar, with tryptophan, which is neutral and slightly polar, at codon 1506 of the COL7A1 protein (p.Arg1506Trp). This variant is present in population databases (rs781358537, gnomAD 0.01%). This variant has not been reported in the literature in individuals affected with COL7A1-related conditions. ClinVar contains an entry for this variant (Variation ID: 2599617). Invitae Evidence Modeling of protein sequence and biophysical properties (such as structural, functional, and spatial information, amino acid conservation, physicochemical variation, residue mobility, and thermodynamic stability) has been performed for this missense variant. However, the output from this modeling did not meet the statistical confidence thresholds required to predict the impact of this variant on COL7A1 protein function. In summary, the available evidence is currently insufficient to determine the role of this variant in disease. Therefore, it has been classified as a Variant of Uncertain Significance.

Ambry Genetics
Classification: Uncertain significance for Inborn genetic diseases. Last evaluated: 2023-07-05. Review status: criteria provided, single submitter. Criteria: Ambry Variant Classification Scheme 2023. Collection method: clinical testing. Allele origin: germline.

NM_000094.4(COL7A1):c.4516C>T (p.Arg1506Trp)

Gene: COL7A1 (collagen type VII alpha 1 chain; minus strand). Cytogenetic location: 3p21.31.
Variant type: single nucleotide variant.
Coding change: c.4516C>T on transcript NM_000094.4 (MANE Select); coding-DNA position 4516, C replaced by T.
Protein change: p.Arg1506Trp; replaces arginine 1506 with tryptophan.
Molecular consequence: missense variant.
Genome position (GRCh38, 1-based): chr3:48,583,015, G>A on the plus strand (C>T on the coding strand, the complement: COL7A1 is on the minus strand). VCF-style: chr3-48583015-G-A. GRCh37 (hg19) VCF-style: chr3-48620448-G-A.
Other names: short protein forms R1506W.
Identifiers: ClinVar variation 2599617 (VCV002599617.4), dbSNP rs781358537, ClinGen allele CA2379987.
Genomic context (GRCh38, chr3:48,583,015, plus strand): 5'-GAACCAGAAAGGGCACAGCCAGGTCAGCTGGTATGAGCATTGCAGCCAGTGGGTTTACCC[G>A]GGATCCCGCTGGGCCTGGGGGTCCACGTTCGCCCTGATGGAAAAGAAGAGGTCAGAGCTG-3'
Protein context (NP_000085.1, residues 1496-1516): ERGPPGPAGS[Arg1506Trp]GLPGVAGRPG